The following is an entry in ClinVar:

ClinVar aggregate classification (germline): Uncertain significance (1 of 4 stars; one submission).

Conditions:
Hereditary cancer-predisposing syndrome. Also called: Neoplastic Syndromes, Hereditary; Tumor predisposition; Hereditary Cancer Syndrome; Hereditary neoplastic syndrome. Identifiers: Orphanet 140162, MedGen C0027672, MeSH D009386, MONDO:0015356.

Submission:

Ambry Genetics
Classification: Uncertain significance for Hereditary cancer-predisposing syndrome. Last evaluated: 2026-03-04. Review status: criteria provided, single submitter. Criteria: Ambry Variant Classification Scheme 2023. Collection method: clinical testing. Allele origin: germline.
Comment: The c.111_140del30 variant (also known as p.S38_E47del) is located in coding exon 1 of the VHL gene. This variant results from an in-frame GTCCGGCCCGGAAGAGTCCGGCCCGGAGGA deletion at nucleotide positions 111 to 140. This results in the in-frame deletion of 10 amino acids at codons 38 to 47. This amino acid region is not well conserved in available vertebrate species. In addition, the in silico prediction for this variant is inconclusive (Choi Y et al. PLoS ONE. 2012; 7(10):e46688). Based on the available evidence, the clinical significance of this variant remains unclear.

NM_000551.4(VHL):c.111_140del (p.Ser38_Glu47del)

Gene: VHL (von Hippel-Lindau tumor suppressor; plus strand). Cytogenetic location: 3p25.3.
Variant type: Deletion.
Coding change: c.111_140del on transcript NM_000551.4 (MANE Select); coding-DNA positions 111 to 140, 30 bases deleted (GTCCGGCCCGGAAGAGTCCGGCCCGGAGGA).
Protein change: p.Ser38_Glu47del.
Molecular consequence: non-coding transcript variant (on NR_176335.1).
Genome position (GRCh38, 1-based): chr3:10,141,958-10,141,987, GTCCGGCCCGGAAGAGTCCGGCCCGGAGGA deleted; deleting any 30 consecutive bases within chr3:10,141,953-10,141,987 gives the same sequence; the c. name uses the placement nearest the transcript's 3' end. VCF-style (leftmost placement, unchanged base first): chr3-10141952-CGAGGAGTCCGGCCCGGAAGAGTCCGGCCCG-C. GRCh37 (hg19) VCF-style: chr3-10183636-CGAGGAGTCCGGCCCGGAAGAGTCCGGCCCG-C.
Other names: c.111_140del, p.Ser38_Glu47del (NM_001354723.2, NM_198156.3).
Identifiers: ClinVar variation 4827069 (VCV004827069.1).
Genomic context (GRCh38, chr3:10,141,952, plus strand): 5'-GGAGGAGGCAGGCGTCGAAGAGTACGGCCCTGAAGAAGACGGCGGGGAGGAGTCGGGCGC[CGAGGAGTCCGGCCCGGAAGAGTCCGGCCCG>C]GAGGAACTGGGCGCCGAGGAGGAGATGGAGGCCGGGCGGCCGCGGCCCGTGCTGCGCTCG-3'